The following is an entry in ClinVar:

NM_001349241.2(PDE4D):c.219T>C (p.Ala73=)

Gene: PDE4D (phosphodiesterase 4D; minus strand). Cytogenetic location: 5q12.1.
Variant type: single nucleotide variant.
Coding change: c.219T>C on transcript NM_001349241.2; coding-DNA position 219, T replaced by C.
Protein change: p.Ala73=; no amino-acid change (alanine 73 retained).
Molecular consequence: synonymous variant. On other transcripts: 5 prime UTR variant (1).
Genome position (GRCh38, 1-based): chr5:59,988,511, A>G on the plus strand (T>C on the coding strand, the complement: PDE4D is on the minus strand). VCF-style: chr5-59988511-A-G. GRCh37 (hg19) VCF-style: chr5-59284338-A-G.
Other names: c.249T>C, p.Ala83= (NM_001165899.2, NM_001364599.1, NM_001364600.2); c.-263T>C (NM_001349243.2).
Identifiers: ClinVar variation 3041388 (VCV003041388.2), dbSNP rs371626200, ClinGen allele CA3276705.

ClinVar aggregate classification (germline): Likely benign (0 of 4 stars; one submission).

Conditions:
PDE4D-related disorder. Also called: PDE4D-related condition.

Allele frequency attached by ClinVar (database versions not stated): ExAC 0.00001; TOPMed 0.00001; ESP Exome Variant Server 0.00010; gnomAD 0.00001; gnomAD exomes 0.00002.
gnomAD v4.1: 25 of 1,598,162 alleles (0.0016%); highest among the groups gnomAD compares: Non-Finnish European, 0.0021%; no homozygotes.

Submission:

PreventionGenetics, part of Exact Sciences
Classification: Likely benign for PDE4D-related condition. Last evaluated: 2019-05-14. Review status: no assertion criteria provided. Collection method: clinical testing. Allele origin: germline.
Comment: This variant is classified as likely benign based on ACMG/AMP sequence variant interpretation guidelines (Richards et al. 2015 PMID: 25741868, with internal and published modifications).